The following is an entry in ClinVar:

ClinVar aggregate classification (germline): Uncertain significance (1 of 4 stars; one submission).

Conditions:
Epidermolysis bullosa simplex 5C, with pyloric atresia (EBS5C). Also called: PLEC1-Related Epidermolysis Bullosa with Pyloric Atresia; Epidermolysis bullosa simplex with pyloric atresia; PLEC-Related Epidermolysis Bullosa with Pyloric Atresia. Identifiers: Orphanet 158684, MedGen C2677349, MONDO:0012807, OMIM 612138.
Epidermolysis bullosa simplex with nail dystrophy (EBS5D). Identifiers: MedGen C4225309, MONDO:0014661, OMIM 616487.
Epidermolysis bullosa simplex 5B, with muscular dystrophy (EBS5B). Also called: EPIDERMOLYSIS BULLOSA SIMPLEX AND LIMB-GIRDLE MUSCULAR DYSTROPHY; Epidermolysis bullosa simplex with muscular dystrophy. Identifiers: Orphanet 257, MedGen C2931072, MONDO:0009181, OMIM 226670.
Epidermolysis bullosa simplex, Ogna type (EBS5A). Also called: Pidermolysis bullosa simplex 5A, Ogna type; EPIDERMOLYSIS BULLOSA SIMPLEX 5A, OGNA TYPE. Identifiers: Orphanet 79401, MedGen C0432317, MONDO:0007555, OMIM 131950.
Autosomal recessive limb-girdle muscular dystrophy type 2Q (LGMDR17). Also called: MUSCULAR DYSTROPHY, LIMB-GIRDLE, AUTOSOMAL RECESSIVE 17. Identifiers: Orphanet 254361, MedGen C3150989, MONDO:0013390, OMIM 613723.

Allele frequency attached by ClinVar (database versions not stated): gnomAD 0.00001; TOPMed 0.00001; gnomAD exomes 0.00002 and 0.00004; ExAC 0.00008.
gnomAD v4.1: 27 of 1,612,774 alleles (0.0017%); highest among the groups gnomAD compares: Middle Eastern, 0.033%; no homozygotes.

Submission:

Labcorp Genetics (formerly Invitae), Labcorp
Classification: Uncertain significance for Autosomal recessive limb-girdle muscular dystrophy type 2Q; Epidermolysis bullosa simplex, Ogna type; Epidermolysis bullosa simplex with nail dystrophy; Epidermolysis bullosa simplex 5C, with pyloric atresia; Epidermolysis bullosa simplex 5B, with muscular dystrophy. Last evaluated: 2021-12-12. Review status: criteria provided, single submitter. Criteria: Invitae Variant Classification Sherloc (09022015). Collection method: clinical testing. Allele origin: germline.
Comment: This variant is present in population databases (rs782594364, gnomAD 0.009%). This sequence change replaces threonine, which is neutral and polar, with methionine, which is neutral and non-polar, at codon 4313 of the PLEC protein (p.Thr4313Met). This variant has not been reported in the literature in individuals affected with PLEC-related conditions. ClinVar contains an entry for this variant (Variation ID: 834914). Algorithms developed to predict the effect of missense changes on protein structure and function (SIFT, PolyPhen-2, Align-GVGD) all suggest that this variant is likely to be disruptive. In summary, the available evidence is currently insufficient to determine the role of this variant in disease. Therefore, it has been classified as a Variant of Uncertain Significance.

NM_201384.3(PLEC):c.12857C>T (p.Thr4286Met)

Gene: PLEC (plectin; minus strand). Cytogenetic location: 8q24.3.
Variant type: single nucleotide variant.
Coding change: c.12857C>T on transcript NM_201384.3 (MANE Select); coding-DNA position 12857, C replaced by T.
Protein change: p.Thr4286Met; replaces threonine 4286 with methionine.
Molecular consequence: missense variant.
Genome position (GRCh38, 1-based): chr8:143,916,964, G>A on the plus strand (C>T on the coding strand, the complement: PLEC is on the minus strand). VCF-style: chr8-143916964-G-A. GRCh37 (hg19) VCF-style: chr8-144991132-G-A.
Other names: c.12938C>T, p.Thr4313Met (NM_000445.5); c.12815C>T, p.Thr4272Met (NM_201378.4); c.12791C>T, p.Thr4264Met (NM_201379.3); c.13268C>T, p.Thr4423Met (NM_201380.4); c.12761C>T, p.Thr4254Met (NM_201381.3); c.12857C>T, p.Thr4286Met (NM_201382.4); c.12869C>T, p.Thr4290Met (NM_201383.3); short protein forms T4286M, T4290M, T4254M, T4313M, T4423M, T4264M, T4272M.
Identifiers: ClinVar variation 834914 (VCV000834914.8), dbSNP rs782594364, ClinGen allele CA4923965.